The following is an entry in ClinVar:

ClinVar aggregate classification (germline): Uncertain significance. Review status: criteria provided, single submitter (1 of 4 stars). 2 submissions from 2 submitters: Uncertain significance (1). 1 of the submissions does not count toward it. Last evaluated 2022-10-05.

Submissions (2):

Labcorp Genetics (formerly Invitae), Labcorp
Classification: Uncertain significance. Last evaluated: 2022-10-05. Review status: criteria provided, single submitter. Criteria: Invitae Variant Classification Sherloc (09022015). Collection method: clinical testing. Allele origin: germline.
Comment: In summary, the available evidence is currently insufficient to determine the role of this variant in disease. Therefore, it has been classified as a Variant of Uncertain Significance. Advanced modeling of protein sequence and biophysical properties (such as structural, functional, and spatial information, amino acid conservation, physicochemical variation, residue mobility, and thermodynamic stability) performed at Invitae indicates that this missense variant is not expected to disrupt LRP2 protein function. ClinVar contains an entry for this variant (Variation ID: 1050633). This variant has not been reported in the literature in individuals affected with LRP2-related conditions. This variant is not present in population databases (gnomAD no frequency). This sequence change replaces glycine, which is neutral and non-polar, with aspartic acid, which is acidic and polar, at codon 1202 of the LRP2 protein (p.Gly1202Asp).

Department of Pathology and Laboratory Medicine, Sinai Health System
Classification: Uncertain significance. Review status: no assertion criteria provided. Collection method: clinical testing. Allele origin: unknown. Affected: yes. Study: The Canadian Open Genetics Repository (COGR). Not counted in ClinVar's aggregate classification.
Comment: The LRP2 p.Gly1202Asp variant was not identified in the literature nor was it identified in dbSNP, ClinVar, Cosmic, LOVD 3.0 or in the following control databases: the 1000 Genomes Project, the NHLBI GO Exome Sequencing Project, the Exome Aggregation Consortium (August 8th 2016), or the Genome Aggregation Database (Feb 27, 2017). The p.Gly1202 residue is not conserved in mammals and four out of five computational analyses (PolyPhen-2, SIFT, AlignGVGD, MutationTaster) do not suggest a high likelihood of impact to the protein; however, this information is not predictive enough to rule out pathogenicity. The variant occurs outside of the splicing consensus sequence and in silico or computational prediction software programs (SpliceSiteFinder, MaxEntScan, NNSPLICE, GeneSplicer) do not predict a difference in splicing. In summary, based on the above information the clinical significance of this variant cannot be determined with certainty at this time. This variant is classified as a variant of uncertain significance.

NM_004525.3(LRP2):c.3605G>A (p.Gly1202Asp)

Gene: LRP2 (LDL receptor related protein 2; minus strand). Cytogenetic location: 2q31.1.
Variant type: single nucleotide variant.
Coding change: c.3605G>A on transcript NM_004525.3 (MANE Select); coding-DNA position 3605, G replaced by A.
Protein change: p.Gly1202Asp; replaces glycine 1202 with aspartic acid.
Molecular consequence: missense variant.
Genome position (GRCh38, 1-based): chr2:169,243,018, C>T on the plus strand (G>A on the coding strand, the complement: LRP2 is on the minus strand). VCF-style: chr2-169243018-C-T. GRCh37 (hg19) VCF-style: chr2-170099528-C-T.
Other names: short protein forms G1202D.
Identifiers: ClinVar variation 1050633 (VCV001050633.7), dbSNP rs2105386678, ClinGen allele CA349149915.
Genomic context (GRCh38, chr2:169,243,018, plus strand): 5'-CAGCCTGCTTCATCCGAGTTGTCACTGCAATCAAAAACACCATCACAACGATTTGTGACG[C>T]CAATACATTTATCCCCACTGGCACACTTGAATTGAGAAGCAGTACAGTTTAATACTAAGA-3'
Protein context (NP_004516.2, residues 1192-1212): FKCASGDKCI[Gly1202Asp]VTNRCDGVFD